The following is an entry in ClinVar:

ClinVar aggregate classification (germline): Uncertain significance. Review status: criteria provided, multiple submitters, no conflicts (2 of 4 stars). 4 submissions from 4 submitters: Uncertain significance (4). Last evaluated 2025-07-21.

Conditions:
Charcot-Marie-Tooth disease type 2. Also called: Charcot-Marie-Tooth type 2. Identifiers: Orphanet 64746, MedGen C0270914, MONDO:0018993.
Inborn genetic diseases. Identifiers: MedGen C0950123, MeSH D030342.

Allele frequency attached by ClinVar (database versions not stated): gnomAD 0.00001; TOPMed 0.00003.
gnomAD v4.1: 1 of 1,613,910 alleles (0.000062%); highest among the groups gnomAD compares: Admixed American, 0.0017%; no homozygotes.

Submissions (4):

Labcorp Genetics (formerly Invitae), Labcorp
Classification: Uncertain significance for Charcot-Marie-Tooth disease type 2. Last evaluated: 2025-07-21. Review status: criteria provided, single submitter. Criteria: Invitae Variant Classification Sherloc (09022015). Collection method: clinical testing. Allele origin: germline.
Comment: This sequence change replaces lysine, which is basic and polar, with glutamine, which is neutral and polar, at codon 513 of the AARS protein (p.Lys513Gln). This variant is not present in population databases (gnomAD no frequency). This variant has not been reported in the literature in individuals affected with AARS-related conditions. ClinVar contains an entry for this variant (Variation ID: 969543). Invitae Evidence Modeling of protein sequence and biophysical properties (such as structural, functional, and spatial information, amino acid conservation, physicochemical variation, residue mobility, and thermodynamic stability) indicates that this missense variant is not expected to disrupt AARS protein function with a negative predictive value of 95%. In summary, the available evidence is currently insufficient to determine the role of this variant in disease. Therefore, it has been classified as a Variant of Uncertain Significance.

ARUP Laboratories, Molecular Genetics and Genomics, ARUP Laboratories
Classification: Uncertain significance. Last evaluated: 2024-11-21. Review status: criteria provided, single submitter. Criteria: ARUP Molecular Germline Variant Investigation Process 2024. Collection method: clinical testing. Allele origin: germline.
Comment: The AARS1 c.1537A>C; p.Lys513Gln variant (rs1960156160), to our knowledge, is not reported in the medical literature but is reported in ClinVar (Variation ID: 969543). This variant is also absent from the Genome Aggregation Database (v2.1.1), indicating it is not a common polymorphism. Computational analyses are uncertain whether this variant is neutral or deleterious (REVEL: 0.291). Due to limited information, the clinical significance of this variant is uncertain at this time.

Ambry Genetics
Classification: Uncertain significance for Inborn genetic diseases. Last evaluated: 2024-02-21. Review status: criteria provided, single submitter. Criteria: Ambry Variant Classification Scheme 2023. Collection method: clinical testing. Allele origin: germline.

Women's Health and Genetics/Laboratory Corporation of America, LabCorp
Classification: Uncertain significance. Last evaluated: 2023-08-03. Review status: criteria provided, single submitter. Criteria: LabCorp Variant Classification Summary - May 2015. Collection method: clinical testing. Allele origin: germline.
Comment: Variant summary: AARS c.1537A>C (p.Lys513Gln) results in a conservative amino acid change located in the Alanyl-tRNA synthetase, class IIc, N-terminal (IPR018164) of the encoded protein sequence. Three of five in-silico tools predict a benign effect of the variant on protein function. The variant was absent in 251256 control chromosomes (gnomAD). The available data on variant occurrences in the general population are insufficient to allow any conclusion about variant significance. To our knowledge, no occurrence of c.1537A>C in individuals affected with Developmental And Epileptic Encephalopathy, 29 and no experimental evidence demonstrating its impact on protein function have been reported. One submitter has cited a clinical-significance assessment for this variant to ClinVar after 2014 and has classified the variant as uncertain significance. Based on the evidence outlined above, the variant was classified as uncertain significance.

NM_001605.3(AARS1):c.1537A>C (p.Lys513Gln)

Gene: AARS1 (alanyl-tRNA synthetase 1; minus strand). Cytogenetic location: 16q22.1.
Variant type: single nucleotide variant.
Coding change: c.1537A>C on transcript NM_001605.3 (MANE Select); coding-DNA position 1537, A replaced by C.
Protein change: p.Lys513Gln; replaces lysine 513 with glutamine.
Molecular consequence: missense variant.
Genome position (GRCh38, 1-based): chr16:70,262,480, T>G on the plus strand (A>C on the coding strand, the complement: AARS1 is on the minus strand). VCF-style: chr16-70262480-T-G. GRCh37 (hg19) VCF-style: chr16-70296383-T-G.
Other names: short protein forms K513Q.
Identifiers: ClinVar variation 969543 (VCV000969543.13), dbSNP rs1960156160, ClinGen allele CA396560278.